The following is an entry in ClinVar:

NM_000094.4(COL7A1):c.6545del (p.His2182fs)

Gene: COL7A1 (collagen type VII alpha 1 chain; minus strand). Cytogenetic location: 3p21.31.
Variant type: Deletion.
Coding change: c.6545del on transcript NM_000094.4 (MANE Select); coding-DNA position 6545, one base deleted (A; older notation c.6545delA).
Protein change: p.His2182fs; shifts the reading frame from histidine 2182.
Molecular consequence: frameshift variant.
Genome position (GRCh38, 1-based): chr3:48,573,718, T deleted on the plus strand (A on the coding strand, the reverse complement: COL7A1 is on the minus strand). VCF-style (leftmost placement, unchanged base first): chr3-48573717-AT-A. GRCh37 (hg19) VCF-style: chr3-48611150-AT-A.
Other names: short protein forms H2182fs.
Identifiers: ClinVar variation 5015736 (VCV005015736.1).

ClinVar aggregate classification (germline): Pathogenic (1 of 4 stars; one submission).

Conditions:
Recessive dystrophic epidermolysis bullosa (RDEB). Also called: DYSTROPHIC EPIDERMOLYSIS BULLOSA, AUTOSOMAL RECESSIVE; EPIDERMOLYSIS BULLOSA DYSTROPHICA, HALLOPEAU-SIEMENS TYPE; Hallopeau-Siemens Disease; severe generalized recessive dystrophic epidermolysis bullosa; EPIDERMOLYSIS BULLOSA DYSTROPHICA, GENERALIZED SEVERE, AUTOSOMAL RECESSIVE; Epidermolysis Bullosa Distrophica Autosomal Recessive (RDEB). Identifiers: Orphanet 79408, Orphanet 79409, MedGen C0079474, MONDO:0009179, OMIM 226600.

Submission:

Myriad Genetics, Inc.
Classification: Pathogenic for Recessive dystrophic epidermolysis bullosa. Last evaluated: 2026-03-28. Review status: criteria provided, single submitter. Criteria: Myriad Autosomal Dominant, Autosomal Recessive and X-Linked Classification Criteria (2023). Collection method: clinical testing. Allele origin: unknown.
Comment: NM_000094.3(COL7A1):c.6545delA(H2182Lfs*24) is expected to be pathogenic in the context of dystrophic epidermolysis bullosa. This variant is predicted to lead to an abnormal or absent protein product due to the creation of a premature termination codon in COL7A1, a gene where loss-of-function variants are known to be pathogenic. Please note: this variant was assessed in the context of healthy population screening.